The following is an entry in ClinVar:

ClinVar aggregate classification (germline): Benign. Review status: criteria provided, multiple submitters, no conflicts (2 of 4 stars). 3 submissions from 3 submitters: Benign (2). 1 of the submissions does not count toward it. Last evaluated 2019-12-31.

Conditions:
WDFY3-related disorder.

Allele frequency attached by ClinVar (database versions not stated): gnomAD exomes 0.00165 and 0.00070; 1000 Genomes Project 30x 0.00547; ExAC 0.00199; 1000 Genomes Project 0.00559; ESP Exome Variant Server 0.00769; gnomAD 0.00602 and 0.00647; TOPMed 0.00705.
gnomAD v4.1: 2,007 of 1,614,150 alleles (0.12%); highest among the groups gnomAD compares: African/African-American, 2.1%; 21 homozygotes.

Submissions (4):

Labcorp Genetics (formerly Invitae), Labcorp
Classification: Benign. Last evaluated: 2019-12-31. Review status: criteria provided, single submitter. Criteria: Invitae Variant Classification Sherloc (09022015). Collection method: clinical testing. Allele origin: germline.

Breakthrough Genomics
Classification: Benign. Review status: criteria provided, single submitter. Criteria: ACMG Guidelines, 2015. Collection method: not provided. Allele origin: germline. Inheritance: Autosomal dominant inheritance. Affected: yes.

PreventionGenetics, part of Exact Sciences
Classification: Benign for WDFY3-related condition. Last evaluated: 2021-08-20. Review status: no assertion criteria provided. Collection method: clinical testing. Allele origin: germline. Not counted in ClinVar's aggregate classification.
Comment: This variant is classified as benign based on ACMG/AMP sequence variant interpretation guidelines (Richards et al. 2015 PMID: 25741868, with internal and published modifications).

Dr. Peter K. Rogan Lab, Western University
No classification provided (evidence only). Condition: Clear cell carcinoma of kidney. Review status: no classification provided. Collection method: in vitro. Allele origin: not applicable. Functional consequence: retained intron. Not counted in ClinVar's aggregate classification.

NM_014991.6(WDFY3):c.8028G>A (p.Thr2676=)

Gene: WDFY3 (WD repeat and FYVE domain containing 3; minus strand). Cytogenetic location: 4q21.23.
Variant type: single nucleotide variant.
Coding change: c.8028G>A on transcript NM_014991.6 (MANE Select); coding-DNA position 8028, G replaced by A.
Protein change: p.Thr2676=; no amino-acid change (threonine 2676 retained).
Molecular consequence: synonymous variant.
Genome position (GRCh38, 1-based): chr4:84,713,173, C>T on the plus strand (G>A on the coding strand, the complement: WDFY3 is on the minus strand). VCF-style: chr4-84713173-C-T. GRCh37 (hg19) VCF-style: chr4-85634326-C-T.
Other names: NC_000004.11:g.85634326C>T.
Identifiers: ClinVar variation 782441 (VCV000782441.8), dbSNP rs150169644, ClinGen allele CA2992485.